The following continues an entry in ClinVar:

NM_000243.3(MEFV):c.2084A>G (p.Lys695Arg)

ClinVar aggregate classification (germline): Conflicting classifications of pathogenicity. Pathogenic (5); Likely pathogenic (6); Uncertain significance (21); Likely benign (2).

Submissions 8 to 21 of 45:

Women's Health and Genetics/Laboratory Corporation of America, LabCorp
Classification: Uncertain significance. Last evaluated: 2025-07-07. Review status: criteria provided, single submitter. Criteria: LabCorp Variant Classification Summary - May 2015. Collection method: clinical testing. Allele origin: germline.
Comment: Variant summary: MEFV c.2084A>G (p.Lys695Arg) results in a conservative amino acid change located in the B30.2/SPRY domain (IPR001870) of the encoded protein sequence. Algorithms developed to predict the effect of missense changes on protein structure and function all suggest that this variant is likely to be tolerated. The variant allele was found at a frequency of 0.0052 in 251482 control chromosomes in the gnomAD database, including 8 homozygotes. This frequency is not significantly higher than estimated for a pathogenic variant in MEFV causing Familial Mediterranean Fever (0.0052 vs 0.022), allowing no conclusion about variant significance. c.2084A>G has been observed in several compound heterozygous and homozygous patients, as well as in non-informative genotypes among individuals affected with FMF (e.g. Bernot_1998, Giaglis_2007, Berdeli_2011, Lainka_2012, Papa_2017, Balta_2020, Richard_2023), but has also been reported as a compound heterozygous genotype in asymptomatic individuals (e.g. Bernot_1998, Gershoni-Baruch_2002). Several studies suggested the variant may have a mild effect or be of reduced penetrance (e.g. Bernot_1998, Aksentijevich_1999, Gershoni-Baruch_2002). At least one of these studies reported a lack of co-segregation with disease in a family harboring two different MEFV variants in compound heterozygosity, namely p.M694V and p.M681I, as the segregating cause of Mediterranean Fever disease presentation (Gershoni-Baruch_2002). A recent large study analyzing the clinical findings of 27,504 FMF patients from Turkey and Northern Cyprus reported that K695R was found in 2.1% of this cohort, and 18% of the patients with K695R showed response to colchicine, although ~60% of the K695R carrying patients had no fever, and 66.4% had no joint pain and/or inflammation (Dundar_2022). Since the penetrance of Familial Mediterranean Fever (0.79) due to this variant appears to be lower than expected (0.8), no conclusions can be drawn from these data. An ex vivo functional study using patient derived cells with this variant demonstrated that the cytokine release in response to Clostridium difficile toxin A (TcdA) in the presence versus absence of colchicine fully coincided with controls (Van Gorp_2020). Further experimental evidence evaluating an impact on protein function through cell-based assays, detected no substantial increase in spontaneous cell death and TcdA/UCN-01-induced cell death for the variant compared to wild-type (Honda_2021); however, no unequivocal conclusions about correlation of these findings to actual disease manifestation in humans can be drawn. In 2023, the expert international study group for systemic autoinflammatory diseases (INSAID) reported an updated classification of uncertain significance for the variant (Infevers database; Van Gijn_2018). The following publications have been ascertained in the context of this evaluation (PMID: 20534143, 10090880, 9668175, 10612841, 17489852, 10842288, 15024744, 19253030, 21413889, 22614345, 15018633, 22903357, 19934083, 23907647, 10787450, 25615955, 11977178, 29047407, 29543225, 23505242, 29599418, 26078663, 21978701, 31989427, 32312770, 33733382, 34426522, 35098403,37277124,37072232). ClinVar contains an entry for this variant (Variation ID: 2547). Based on the evidence outlined above, the variant was classified as uncertain significance.

Mayo Clinic Laboratories, Mayo Clinic
Classification: Uncertain significance. Last evaluated: 2025-06-27. Review status: criteria provided, single submitter. Criteria: ACMG Guidelines, 2015. Collection method: clinical testing. Allele origin: germline. Observed: 14 variant alleles.
Comment: BS1

3billion
Classification: Uncertain significance for Familial Mediterranean fever. Last evaluated: 2025-05-30. Review status: criteria provided, single submitter. Criteria: ACMG Guidelines, 2015. Collection method: clinical testing. Allele origin: germline. Affected: yes.
Comment: The variant is observed in the gnomAD v4.1.0 dataset (total allele frequency: 0.395%). Predicted Consequence/Location: Missense variant The same nucleotide change resulting in the same amino acid change has been previously reported as pathogenic/likely pathogenic with strong evidence (ClinVar ID: VCV000002547 /PMID: 9668175). Different missense changes at the same codon (p.Lys695Asn, p.Lys695Met) have been reported to be associated with MEFV-related disorder (ClinVar ID: VCV000097490 /PMID: 16730661). However the evidence of pathogenicity is insufficient at this time. Therefore, this variant is classified as VUS according to the recommendation of ACMG/AMP guideline.

First Genomix Gene Laboratory, Genetic Diagnostics Department
Classification: Pathogenic for Familial Mediterranean fever. Last evaluated: 2025-03-19. Review status: criteria provided, single submitter. Criteria: ACMG Guidelines, 2015. Collection method: clinical testing. Allele origin: germline. Inheritance: Autosomal recessive inheritance. Affected: no. Observed: 1 variant allele.

Center for Genomic Medicine, Rigshospitalet, Copenhagen University Hospital
Classification: Uncertain significance. Last evaluated: 2025-03-04. Review status: criteria provided, single submitter. Criteria: ACMG Guidelines, 2015. Collection method: clinical testing. Allele origin: germline.

Genomic Medicine Center of Excellence, King Faisal Specialist Hospital and Research Centre
Classification: Uncertain significance for Familial Mediterranean fever. Last evaluated: 2024-12-19. Review status: criteria provided, single submitter. Criteria: ACMG Guidelines, 2015. Collection method: clinical testing. Allele origin: germline.

Blueprint Genetics
Classification: Likely benign. Last evaluated: 2024-11-27. Review status: criteria provided, single submitter. Criteria: ACMG Guidelines, 2015. Collection method: clinical testing. Allele origin: germline.

Fulgent Genetics
Classification: Uncertain significance for Familial Mediterranean fever, autosomal dominant; Familial Mediterranean fever; Acute febrile neutrophilic dermatosis. Last evaluated: 2024-06-07. Review status: criteria provided, single submitter. Criteria: ACMG Guidelines, 2015. Collection method: clinical testing. Allele origin: germline.

Revvity Omics, Revvity
Classification: Uncertain significance. Last evaluated: 2024-05-17. Review status: criteria provided, single submitter. Criteria: ACMG Guidelines, 2015. Collection method: clinical testing. Allele origin: germline.

Centre for Clinical Genetics and Genomic Diagnostics, Zealand University Hospital
Classification: Uncertain significance. Last evaluated: 2023-12-13. Review status: criteria provided, single submitter. Criteria: ACMG Guidelines, 2015. Collection method: clinical testing. Allele origin: germline.

Illumina Laboratory Services, Illumina
Classification: Pathogenic for Familial Mediterranean fever. Last evaluated: 2023-06-29. Review status: criteria provided, single submitter. Criteria: ICSLVariantClassificationCriteria RUGD 01 April 2020. Collection method: clinical testing. Allele origin: unknown.
Comment: The MEFV c.2084A>G (p.Lys695Arg) variant has been identified in multiple individuals with a phenotype consistent with familial Mediterranean fever in the homozygous state, compound heterozygous state, and heterozygous state in the peer-reviewed literature (PMID: 9668175; 10612841; 17489852; 19253030; 19934083; 22207183; 23907647; 24469716; 26003477; 27364639; 27733942; 29543225). This variant shows variable expressivity and incomplete penetrance (PMID: 9668175; 10090880). Additionally, other nearby missense variants such as p.Met694Ile (ClinVar variation ID: 36507), p.Met694Val (ClinVar variation ID: 2538), and p.Met680Ile (ClinVar variation ID: 2539), are classified pathogenic for familial Mediterranean fever. The highest frequency of this allele in the Genome Aggregation Database is 0.01612 in the European (Finnish) population, which includes 3 homozygotes (version 2.1.1). This frequency is high but is consistent with disease prevalence estimates, variable severity, and incomplete penetrance. Based on the available evidence, the c.2084A>G (p.Lys695Arg) variant is classified as pathogenic for familial Mediterranean fever.

Ambry Genetics
Classification: Uncertain significance for Inborn genetic diseases. Last evaluated: 2023-06-07. Review status: criteria provided, single submitter. Criteria: Ambry Variant Classification Scheme 2023. Collection method: clinical testing. Allele origin: germline.
Comment: The p.K695R pathogenic mutation (also known as c.2084A>G), located in coding exon 10 of the MEFV gene, results from an A to G substitution at nucleotide position 2084. The lysine at codon 695 is replaced by arginine, an amino acid with highly similar properties. This variant was detected in the homozygous state in an individual with familial Mediterranean fever (FMF) phenotype type I (Comak E et al. Eur. J. Pediatr., 2013 Aug;172:1061-7). This mutation has been described in individuals with FMF from multiple different ethnic backgrounds (Touitou I. Eur. J. Hum. Genet., 2001 Jul;9:473-83). This alteration has a higher carrier frequency than expected in the Ashkenazi Jewish population, which is suggestive of reduced penetrance. In addition, this alteration was seen in three Jewish individuals, two of which were asymptomatic (Bernot A et al. Hum. Mol. Genet., 1998 Aug;7:1317-25). This alteration was also detected in one child with Henoch&ndash;Sch&ouml;nlein purpura and in one individual with very mild FMF symptoms (Altug U et al. Int J Rheum Dis, 2013 Jun;16:347-51; Sediv&aacute; A et al. Clin. Genet., 2014 Dec;86:564-9). In addition, this alteration is predicted to be tolerated by BayesDel in silico analysis. Since supporting evidence is conflicting at this time, the clinical significance of this alteration remains unclear.

Baylor Genetics
Classification: Uncertain significance for Familial Mediterranean fever, autosomal dominant. Last evaluated: 2023-03-13. Review status: criteria provided, single submitter. Criteria: ACMG Guidelines, 2015. Collection method: clinical testing. Allele origin: unknown.

Clinical Genomics Laboratory, Stanford Medicine
Classification: Uncertain significance for Familial Mediterranean fever, autosomal dominant; Familial Mediterranean fever. Last evaluated: 2023-01-24. Review status: criteria provided, single submitter. Criteria: ACMG Guidelines, 2015. Collection method: clinical testing. Allele origin: germline. Observed: 1 variant allele, 1 heterozygote.